The following is an entry in ClinVar:

ClinVar aggregate classification (germline): Uncertain significance. Review status: criteria provided, multiple submitters, no conflicts (2 of 4 stars). 3 submissions from 3 submitters: Uncertain significance (2). 1 of the submissions does not count toward it. Last evaluated 2023-11-27.

Conditions:
SDCCAG8-related disorder. Also called: SDCCAG8-Related Disorders; SDCCAG8-related condition.
Bardet-Biedl syndrome 16 (BBS16). Identifiers: Orphanet 110, MedGen C3889474, MONDO:0014444, OMIM 615993.
Senior-Loken syndrome 7 (SLSN7). Identifiers: Orphanet 3156, MedGen C3150877, MONDO:0013326, OMIM 613615.

Allele frequency attached by ClinVar (database versions not stated): gnomAD 0.00001; TOPMed 0.00001.
gnomAD v4.1: 1 of 1,613,914 alleles (0.000062%); highest among the groups gnomAD compares: African/African-American, 0.0013%; no homozygotes.

Submissions (3):

Labcorp Genetics (formerly Invitae), Labcorp
Classification: Uncertain significance for Bardet-Biedl syndrome 16; Senior-Loken syndrome 7. Last evaluated: 2023-11-27. Review status: criteria provided, single submitter. Criteria: Invitae Variant Classification Sherloc (09022015). Collection method: clinical testing. Allele origin: germline.
Comment: This sequence change replaces lysine, which is basic and polar, with asparagine, which is neutral and polar, at codon 424 of the SDCCAG8 protein (p.Lys424Asn). This variant is present in population databases (no rsID available, gnomAD 0.01%). This variant has not been reported in the literature in individuals affected with SDCCAG8-related conditions. ClinVar contains an entry for this variant (Variation ID: 1410542). Advanced modeling of protein sequence and biophysical properties (such as structural, functional, and spatial information, amino acid conservation, physicochemical variation, residue mobility, and thermodynamic stability) performed at Invitae indicates that this missense variant is not expected to disrupt SDCCAG8 protein function with a negative predictive value of 80%. In summary, the available evidence is currently insufficient to determine the role of this variant in disease. Therefore, it has been classified as a Variant of Uncertain Significance.

Blueprint Genetics
Classification: Uncertain significance. Last evaluated: 2021-10-12. Review status: criteria provided, single submitter. Criteria: ACMG Guidelines, 2015. Collection method: clinical testing. Allele origin: germline.

PreventionGenetics, part of Exact Sciences
Classification: Uncertain significance for SDCCAG8-related condition. Last evaluated: 2023-12-11. Review status: no assertion criteria provided. Collection method: clinical testing. Allele origin: germline. Not counted in ClinVar's aggregate classification.
Comment: The SDCCAG8 c.1272G>C variant is predicted to result in the amino acid substitution p.Lys424Asn. To our knowledge, this variant has not been reported in the literature. This variant is reported in 0.011% of alleles in individuals of African descent in gnomAD. At this time, the clinical significance of this variant is uncertain due to the absence of conclusive functional and genetic evidence.

NM_006642.5(SDCCAG8):c.1272G>C (p.Lys424Asn)

Gene: SDCCAG8 (SHH signaling and ciliogenesis regulator SDCCAG8; plus strand). Cytogenetic location: 1q43.
Variant type: single nucleotide variant.
Coding change: c.1272G>C on transcript NM_006642.5 (MANE Select); coding-DNA position 1272, G replaced by C.
Protein change: p.Lys424Asn; replaces lysine 424 with asparagine.
Molecular consequence: missense variant.
Genome position (GRCh38, 1-based): chr1:243,341,089, G>C. VCF-style: chr1-243341089-G-C. GRCh37 (hg19) VCF-style: chr1-243504391-G-C.
Other names: c.369G>C, p.Lys123Asn (NM_001350246.2, NM_001350247.2, NM_001350251.2); c.1368G>C, p.Lys456Asn (NM_001350248.2); c.978G>C, p.Lys326Asn (NM_001350249.2); c.1272G>C (NM_006642.3); short protein forms K123N, K326N, K456N, K424N.
Identifiers: ClinVar variation 1410542 (VCV001410542.6), dbSNP rs777728424, ClinGen allele CA345474565.